The following is an entry in ClinVar:

ClinVar aggregate classification (germline): Uncertain significance. Review status: criteria provided, multiple submitters, no conflicts (2 of 4 stars). 2 submissions from 2 submitters: Uncertain significance (2). Last evaluated 2022-11-17.

Conditions:
Inborn genetic diseases. Identifiers: MedGen C0950123, MeSH D030342.

Allele frequency attached by ClinVar (database versions not stated): ExAC 0.00002; gnomAD exomes 0.00002 and 0.00006; gnomAD 0.00003 and 0.00004; TOPMed 0.00005; ESP Exome Variant Server 0.00008.
gnomAD v4.1: 96 of 1,614,060 alleles (0.0059%); highest among the groups gnomAD compares: Non-Finnish European, 0.0076%; no homozygotes.

Submissions (2):

Ambry Genetics
Classification: Uncertain significance for Inborn genetic diseases. Last evaluated: 2022-11-17. Review status: criteria provided, single submitter. Criteria: Ambry Variant Classification Scheme 2023. Collection method: clinical testing. Allele origin: germline.

Labcorp Genetics (formerly Invitae), Labcorp
Classification: Uncertain significance. Last evaluated: 2022-02-02. Review status: criteria provided, single submitter. Criteria: Invitae Variant Classification Sherloc (09022015). Collection method: clinical testing. Allele origin: germline.
Comment: This sequence change replaces valine, which is neutral and non-polar, with alanine, which is neutral and non-polar, at codon 463 of the ADAMTS10 protein (p.Val463Ala). This variant is present in population databases (rs371732808, gnomAD 0.005%). This variant has not been reported in the literature in individuals affected with ADAMTS10-related conditions. ClinVar contains an entry for this variant (Variation ID: 1023740). Algorithms developed to predict the effect of missense changes on protein structure and function are either unavailable or do not agree on the potential impact of this missense change (SIFT: "Deleterious"; PolyPhen-2: "Benign"; Align-GVGD: "Class C25"). In summary, the available evidence is currently insufficient to determine the role of this variant in disease. Therefore, it has been classified as a Variant of Uncertain Significance.

NM_030957.4(ADAMTS10):c.1388T>C (p.Val463Ala)

Gene: ADAMTS10 (ADAM metallopeptidase with thrombospondin type 1 motif 10; minus strand). Cytogenetic location: 19p13.2.
Variant type: single nucleotide variant.
Coding change: c.1388T>C on transcript NM_030957.4 (MANE Select); coding-DNA position 1388, T replaced by C.
Protein change: p.Val463Ala; replaces valine 463 with alanine.
Molecular consequence: missense variant.
Genome position (GRCh38, 1-based): chr19:8,595,853, A>G on the plus strand (T>C on the coding strand, the complement: ADAMTS10 is on the minus strand). VCF-style: chr19-8595853-A-G. GRCh37 (hg19) VCF-style: chr19-8660737-A-G.
Other names: c.1388T>C (NM_030957.2); short protein forms V463A.
Identifiers: ClinVar variation 1023740 (VCV001023740.6), dbSNP rs371732808, ClinGen allele CA9160529.